The following is an entry in ClinVar:

NM_000222.3(KIT):c.2303A>C (p.Asp768Ala)

Gene: KIT (KIT proto-oncogene, receptor tyrosine kinase; plus strand). Cytogenetic location: 4q12.
Variant type: single nucleotide variant.
Coding change: c.2303A>C on transcript NM_000222.3 (MANE Select); coding-DNA position 2303, A replaced by C.
Protein change: p.Asp768Ala; replaces aspartic acid 768 with alanine.
Molecular consequence: missense variant.
Genome position (GRCh38, 1-based): chr4:54,731,940, A>C. VCF-style: chr4-54731940-A-C. GRCh37 (hg19) VCF-style: chr4-55598106-A-C.
Other names: c.2291A>C, p.Asp764Ala (NM_001093772.2, NM_001385292.1); c.2306A>C, p.Asp769Ala (NM_001385284.1); c.2300A>C, p.Asp767Ala (NM_001385285.1); c.2288A>C, p.Asp763Ala (NM_001385286.1); c.2294A>C, p.Asp765Ala (NM_001385288.1); c.2303A>C, p.Asp768Ala (NM_001385290.1); short protein forms D767A, D768A, D763A, D765A, D769A, D764A.
Identifiers: ClinVar variation 5023298 (VCV005023298.1).

ClinVar aggregate classification (germline): Uncertain significance (1 of 4 stars; one submission).

Conditions:
Hereditary cancer-predisposing syndrome. Also called: Neoplastic Syndromes, Hereditary; Tumor predisposition; Hereditary neoplastic syndrome; Hereditary Cancer Syndrome. Identifiers: Orphanet 140162, MedGen C0027672, MeSH D009386, MONDO:0015356.

Submission:

Ambry Genetics
Classification: Uncertain significance for Hereditary cancer-predisposing syndrome. Last evaluated: 2026-06-27. Review status: criteria provided, single submitter. Criteria: Ambry Variant Classification Scheme 2023. Collection method: clinical testing. Allele origin: germline.
Comment: The p.D768A variant (also known as c.2303A>C), located in coding exon 16 of the KIT gene, results from an A to C substitution at nucleotide position 2303. The aspartic acid at codon 768 is replaced by alanine, an amino acid with dissimilar properties. This amino acid position is conserved. In addition, this alteration is predicted to be deleterious by in silico analysis. Based on the available evidence, the clinical significance of this variant remains unclear.